The following is an entry in ClinVar:

NM_000489.6(ATRX):c.4506_4507insGTAGAG (p.Glu1502_Arg1503insValGlu)

Gene: ATRX (ATRX chromatin remodeler; minus strand). Cytogenetic location: Xq21.1.
Variant type: Microsatellite.
Coding change: c.4506_4507insGTAGAG on transcript NM_000489.6 (MANE Select); coding-DNA positions 4506 to 4507, GTAGAG inserted.
Protein change: p.Glu1502_Arg1503insValGlu.
Molecular consequence: inframe insertion.
Genome position: GRCh38 VCF-style: chrX-77652164-T-TCTCTAC. GRCh37 (hg19) VCF-style: chrX-76907654-T-TCTCTAC.
Other names: c.4392_4393insGTAGAG, p.Glu1464_Arg1465insValGlu (NM_138270.5).
Identifiers: ClinVar variation 1327702 (VCV001327702.2), dbSNP rs2148436383.

ClinVar aggregate classification (germline): Likely pathogenic (1 of 4 stars; one submission).

Submission:

GeneDx
Classification: Likely pathogenic. Last evaluated: 2022-11-23. Review status: criteria provided, single submitter. Criteria: GeneDx Variant Classification Process June 2021. Collection method: clinical testing. Allele origin: germline. Affected: yes.
Comment: In-frame insertion of 2 amino acids in a non-repeat region; In silico analysis suggests this variant may impact gene splicing. In the absence of RNA/functional studies, the actual effect of this sequence change is unknown.; Not observed at significant frequency in large population cohorts (gnomAD); Has not been previously published as pathogenic or benign to our knowledge